The following is an entry in ClinVar:

NM_032977.4(CASP10):c.247C>T (p.Leu83Phe)

Gene: CASP10 (caspase 10; plus strand). Cytogenetic location: 2q33.1.
Variant type: single nucleotide variant.
Coding change: c.247C>T on transcript NM_032977.4 (MANE Select); coding-DNA position 247, C replaced by T.
Protein change: p.Leu83Phe; replaces leucine 83 with phenylalanine.
Molecular consequence: missense variant.
Genome position (GRCh38, 1-based): chr2:201,186,024, C>T. VCF-style: chr2-201186024-C-T. GRCh37 (hg19) VCF-style: chr2-202050747-C-T.
Other names: c.247C>T, p.Leu83Phe (NM_001206524.2, NM_001206542.2, NM_001230.5 and 3 more transcripts); short protein forms L83F.
Identifiers: ClinVar variation 2926700 (VCV002926700.4), dbSNP rs759913674, ClinGen allele CA2052800.

ClinVar aggregate classification (germline): Uncertain significance. Review status: criteria provided, multiple submitters, no conflicts (2 of 4 stars). 2 submissions from 2 submitters: Uncertain significance (2). Last evaluated 2025-08-20.

Conditions:
Autoimmune lymphoproliferative syndrome type 2A (ALPS2A). Also called: Autoimmune lymphoproliferative syndrome type 2; CASP10-Related Autoimmune Lymphoproliferative Syndrome; AUTOIMMUNE LYMPHOPROLIFERATIVE SYNDROME, TYPE IIA. Identifiers: Orphanet 3261, MedGen C1858968, MONDO:0011383, OMIM 603909.

Allele frequency attached by ClinVar (database versions not stated): gnomAD 0.00002.

Submissions (2):

Ambry Genetics
Classification: Uncertain significance. Last evaluated: 2025-08-20. Review status: criteria provided, single submitter. Criteria: Ambry Variant Classification Scheme 2023. Collection method: clinical testing. Allele origin: germline.

Labcorp Genetics (formerly Invitae), Labcorp
Classification: Uncertain significance for Autoimmune lymphoproliferative syndrome type 2A. Last evaluated: 2025-04-30. Review status: criteria provided, single submitter. Criteria: Invitae Variant Classification Sherloc (09022015). Collection method: clinical testing. Allele origin: germline.
Comment: This sequence change replaces leucine, which is neutral and non-polar, with phenylalanine, which is neutral and non-polar, at codon 83 of the CASP10 protein (p.Leu83Phe). This variant is present in population databases (rs759913674, gnomAD 0.0009%). This variant has not been reported in the literature in individuals affected with CASP10-related conditions. ClinVar contains an entry for this variant (Variation ID: 2926700). Invitae Evidence Modeling of protein sequence and biophysical properties (such as structural, functional, and spatial information, amino acid conservation, physicochemical variation, residue mobility, and thermodynamic stability) indicates that this missense variant is not expected to disrupt CASP10 protein function with a negative predictive value of 80%. In summary, the available evidence is currently insufficient to determine the role of this variant in disease. Therefore, it has been classified as a Variant of Uncertain Significance.